The following is an entry in ClinVar:

ClinVar aggregate classification (germline): Pathogenic. Review status: criteria provided, multiple submitters, no conflicts (2 of 4 stars). 4 submissions from 4 submitters: Pathogenic (4). Last evaluated 2025-11-10.

Conditions:
Hereditary spastic paraplegia 30. Identifiers: Orphanet 101010, MedGen C5235139, MONDO:0012476.
Neuropathy, hereditary sensory, type 2C. Also called: Hereditary sensory and autonomic neuropathy type IIC; KIF1A-Related HSAN2 (HSAN2C). Identifiers: Orphanet 970, MedGen C3280168, MONDO:0013634, OMIM 614213.
Intellectual disability, autosomal dominant 9 (NESCAVS). Also called: KIF1A-Related Neurodevelopmental Disorder; NESCAV SYNDROME. Identifiers: Orphanet 662367, MedGen C5393830, MONDO:0013656, OMIM 614255.
Inborn genetic diseases. Identifiers: MedGen C0950123, MeSH D030342.
KIF1A-related disorder. Also called: KIF1A-related disorders; KIF1A-related condition.

Submissions (4):

Ambry Genetics
Classification: Pathogenic for Inborn genetic diseases. Last evaluated: 2025-11-10. Review status: criteria provided, single submitter. Criteria: Ambry Variant Classification Scheme 2023. Collection method: clinical testing. Allele origin: germline.
Comment: The c.1031C>T (p.T344M) alteration is located in exon 12 (coding exon 11) of the KIF1A gene. This alteration results from a C to T substitution at nucleotide position 1031, causing the threonine (T) at amino acid position 344 to be replaced by a methionine (M). for autosomal dominant KIF1A-related neuronal disorder; however, its clinical significance for autosomal recessive KIF1A-related spastic paraplegia is uncertain. This variant was not reported in population-based cohorts in the Genome Aggregation Database (gnomAD). This variant was determined to be de novo in at least one individual with features consistent with KIF1A-related neuronal disorder (Lan, 2022; Boyle, 2021). This amino acid position is highly conserved in available vertebrate species. This missense alteration is located in a region that has a low rate of benign missense variation (Lek, 2016; Firth, 2009). Functional studies suggest abnormal function; however, additional evidence is needed to confirm this finding (Boyle, 2021). This alteration is predicted to be deleterious by in silico analysis. Based on the available evidence, this alteration is classified as pathogenic.

Labcorp Genetics (formerly Invitae), Labcorp
Classification: Pathogenic for Hereditary spastic paraplegia 30; Neuropathy, hereditary sensory, type 2C; Intellectual disability, autosomal dominant 9. Last evaluated: 2025-06-04. Review status: criteria provided, single submitter. Criteria: Invitae Variant Classification Sherloc (09022015). Collection method: clinical testing. Allele origin: germline.
Comment: This sequence change replaces threonine, which is neutral and polar, with methionine, which is neutral and non-polar, at codon 344 of the KIF1A protein (p.Thr344Met). This variant is not present in population databases (gnomAD no frequency). This missense change has been observed in individual(s) with clinical features of autosomal dominant KIF1A-related conditions (PMID: 33880452; internal data). In at least one individual the variant was observed to be de novo. ClinVar contains an entry for this variant (Variation ID: 1452132). Invitae Evidence Modeling of protein sequence and biophysical properties (such as structural, functional, and spatial information, amino acid conservation, physicochemical variation, residue mobility, and thermodynamic stability) indicates that this missense variant is expected to disrupt KIF1A protein function with a positive predictive value of 95%. For these reasons, this variant has been classified as Pathogenic.

Blueprint Genetics
Classification: Pathogenic for KIF1A-related disorders. Last evaluated: 2023-11-10. Review status: criteria provided, single submitter. Criteria: ACMG Guidelines, 2015. Collection method: clinical testing. Allele origin: germline. Affected: yes. Observed: 1 variant allele.

Laboratory of Medical Genetics, National & Kapodistrian University of Athens
Classification: Pathogenic for Intellectual disability, autosomal dominant 9. Last evaluated: 2021-12-13. Review status: criteria provided, single submitter. Criteria: ACMG Guidelines, 2015. Collection method: clinical testing. Allele origin: de novo. Affected: yes.
Comment: PS2, PM1, PM2, PP3

Literature cited by the submitters: PubMed 33880452 (cited by Ambry Genetics and Labcorp Genetics (formerly Invitae), Labcorp); PubMed 36247768 (cited by Ambry Genetics).

NM_001244008.2(KIF1A):c.1031C>T (p.Thr344Met)

Gene: KIF1A (kinesin family member 1A; minus strand). Cytogenetic location: 2q37.3.
Variant type: single nucleotide variant.
Coding change: c.1031C>T on transcript NM_001244008.2 (MANE Select); coding-DNA position 1031, C replaced by T.
Protein change: p.Thr344Met; replaces threonine 344 with methionine.
Molecular consequence: missense variant.
Genome position (GRCh38, 1-based): chr2:240,774,189, G>A on the plus strand (C>T on the coding strand, the complement: KIF1A is on the minus strand). VCF-style: chr2-240774189-G-A. GRCh37 (hg19) VCF-style: chr2-241713606-G-A.
Other names: c.1031C>T (NM_004321.5); c.1031C>T, p.Thr344Met (NM_001320705.2, NM_001330289.2, NM_001330290.2 and 20 more transcripts); short protein forms T344M.
Identifiers: ClinVar variation 1452132 (VCV001452132.11), dbSNP rs2125976585, ClinGen allele CA351296627.